The following is an entry in ClinVar:

NM_001183.6(ATP6AP1):c.712G>A (p.Gly238Arg)

Gene: ATP6AP1 (ATPase H+ transporting accessory protein 1; plus strand). Cytogenetic location: Xq28.
Variant type: single nucleotide variant.
Coding change: c.712G>A on transcript NM_001183.6 (MANE Select); coding-DNA position 712, G replaced by A.
Protein change: p.Gly238Arg; replaces glycine 238 with arginine.
Molecular consequence: missense variant.
Genome position (GRCh38, 1-based): chrX:154,434,235, G>A. VCF-style: chrX-154434235-G-A. GRCh37 (hg19) VCF-style: chrX-153662581-G-A.
Other names: short protein forms G238R.
Identifiers: ClinVar variation 2051899 (VCV002051899.5), dbSNP rs781862779, ClinGen allele CA10562697.

ClinVar aggregate classification (germline): Uncertain significance. Review status: criteria provided, multiple submitters, no conflicts (2 of 4 stars). 2 submissions from 2 submitters: Uncertain significance (2). Last evaluated 2025-07-09.

Allele frequency attached by ClinVar (database versions not stated): ExAC 0.00001; gnomAD 0.00001; TOPMed 0.00001; gnomAD exomes 0.00004.

Submissions (2):

Women's Health and Genetics/Laboratory Corporation of America, LabCorp
Classification: Uncertain significance. Last evaluated: 2025-07-09. Review status: criteria provided, single submitter. Criteria: LabCorp Variant Classification Summary - May 2015. Collection method: clinical testing. Allele origin: germline.
Comment: Variant summary: ATP6AP1 c.712G>A (p.Gly238Arg) results in a non-conservative amino acid change in the encoded protein sequence. Algorithms developed to predict the effect of missense changes on protein structure and function are either unavailable or do not agree on the potential impact of this missense change. The variant allele was found at a frequency of 1.6e-05 in 183297 control chromosomes. The available data on variant occurrences in the general population are insufficient to allow any conclusion about variant significance. To our knowledge, no occurrence of c.712G>A in individuals affected with Immunodeficiency 47 and no experimental evidence demonstrating its impact on protein function have been reported. ClinVar contains an entry for this variant (Variation ID: 2051899). Based on the evidence outlined above, the variant was classified as uncertain significance.

Labcorp Genetics (formerly Invitae), Labcorp
Classification: Uncertain significance. Last evaluated: 2023-10-04. Review status: criteria provided, single submitter. Criteria: Invitae Variant Classification Sherloc (09022015). Collection method: clinical testing. Allele origin: germline.
Comment: This sequence change replaces glycine, which is neutral and non-polar, with arginine, which is basic and polar, at codon 238 of the ATP6AP1 protein (p.Gly238Arg). This variant is present in population databases (rs781862779, gnomAD 0.002%), including at least one homozygous and/or hemizygous individual. This variant has not been reported in the literature in individuals affected with ATP6AP1-related conditions. ClinVar contains an entry for this variant (Variation ID: 2051899). Advanced modeling of protein sequence and biophysical properties (such as structural, functional, and spatial information, amino acid conservation, physicochemical variation, residue mobility, and thermodynamic stability) performed at Invitae indicates that this missense variant is not expected to disrupt ATP6AP1 protein function. In summary, the available evidence is currently insufficient to determine the role of this variant in disease. Therefore, it has been classified as a Variant of Uncertain Significance.